The following is an entry in ClinVar:

NM_001354483.2(CSGALNACT1):c.8T>C (p.Met3Thr)

Gene: CSGALNACT1 (chondroitin sulfate N-acetylgalactosaminyltransferase 1; minus strand). Cytogenetic location: 8p21.3.
Variant type: single nucleotide variant.
Coding change: c.8T>C on transcript NM_001354483.2 (MANE Select); coding-DNA position 8, T replaced by C.
Protein change: p.Met3Thr; replaces methionine 3 with threonine.
Molecular consequence: missense variant. On other transcripts: non-coding transcript variant (7).
Genome position (GRCh38, 1-based): chr8:19,505,827, A>G on the plus strand (T>C on the coding strand, the complement: CSGALNACT1 is on the minus strand). VCF-style: chr8-19505827-A-G. GRCh37 (hg19) VCF-style: chr8-19363338-A-G.
Other names: c.8T>C, p.Met3Thr (NM_001130518.2, NM_001354475.2, NM_001354476.2 and 18 more transcripts); short protein forms M3T.
Identifiers: ClinVar variation 4717568 (VCV004717568.1).
Genomic context (GRCh38, chr8:19,505,827, plus strand): 5'-CAGAGGAGCACCAGCAAAACCACCACCCGGGAAATCCACGCAAGCAGCCCCCGGCGAACC[A>G]TCATCATTCAGGAATCAGCCATGCGTCCAGAACCGGTGGCATCCCTCAAAGCCGGGGCCC-3'
Protein context (NP_001341412.1, residues 1-13): MM[Met3Thr]VRRGLLAWIS

ClinVar aggregate classification (germline): Uncertain significance (1 of 4 stars; one submission).

Submission:

Labcorp Genetics (formerly Invitae), Labcorp
Classification: Uncertain significance. Last evaluated: 2025-04-15. Review status: criteria provided, single submitter. Criteria: Invitae Variant Classification Sherloc (09022015). Collection method: clinical testing. Allele origin: germline.
Comment: This sequence change replaces methionine, which is neutral and non-polar, with threonine, which is neutral and polar, at codon 3 of the CSGALNACT1 protein (p.Met3Thr). This variant is not present in population databases (gnomAD no frequency). This variant has not been reported in the literature in individuals affected with CSGALNACT1-related conditions. An algorithm developed to predict the effect of missense changes on protein structure and function (PolyPhen-2) suggests that this variant is likely to be tolerated. In summary, the available evidence is currently insufficient to determine the role of this variant in disease. Therefore, it has been classified as a Variant of Uncertain Significance.